The following is an entry in ClinVar:

NM_014297.5(ETHE1):c.706C>T (p.Gln236Ter)

Gene: ETHE1 (ETHE1 persulfide dioxygenase; minus strand). Cytogenetic location: 19q13.31.
Variant type: single nucleotide variant.
Coding change: c.706C>T on transcript NM_014297.5 (MANE Select); coding-DNA position 706, C replaced by T.
Protein change: p.Gln236Ter; replaces glutamine 236 with a stop codon.
Molecular consequence: nonsense.
Genome position (GRCh38, 1-based): chr19:43,507,950, G>A on the plus strand (C>T on the coding strand, the complement: ETHE1 is on the minus strand). VCF-style: chr19-43507950-G-A. GRCh37 (hg19) VCF-style: chr19-44012102-G-A.
Other names: c.673C>T, p.Gln225Ter (NM_001320867.2); c.337C>T, p.Gln113Ter (NM_001320868.2); c.412C>T, p.Gln138Ter (NM_001320869.2); short protein forms Q138*, Q113*, Q225*, Q236*.
Identifiers: ClinVar variation 2864753 (VCV002864753.3), dbSNP rs2513603638, ClinGen allele CA406174839.

ClinVar aggregate classification (germline): Uncertain significance (1 of 4 stars; one submission).

Conditions:
Ethylmalonic encephalopathy (EE). Also called: EPEMA syndrome; Encephalopathy, petechiae, and ethylmalonic aciduria; Syndrome of encephalopathy, petechiae, and ethylmalonic aciduria. Identifiers: Orphanet 51188, MedGen C1865349, MONDO:0011229, OMIM 602473. Disease mechanism: loss of function.

Submission:

Labcorp Genetics (formerly Invitae), Labcorp
Classification: Uncertain significance for Ethylmalonic encephalopathy. Last evaluated: 2023-05-24. Review status: criteria provided, single submitter. Criteria: Invitae Variant Classification Sherloc (09022015). Collection method: clinical testing. Allele origin: germline.
Comment: This sequence change creates a premature translational stop signal (p.Gln236*) in the ETHE1 gene. While this is not anticipated to result in nonsense mediated decay, it is expected to disrupt the last 19 amino acid(s) of the ETHE1 protein. This variant is not present in population databases (gnomAD no frequency). This variant has not been reported in the literature in individuals affected with ETHE1-related conditions. Experimental studies and prediction algorithms are not available or were not evaluated, and the functional significance of this variant is currently unknown. In summary, the available evidence is currently insufficient to determine the role of this variant in disease. Therefore, it has been classified as a Variant of Uncertain Significance.